The following is an entry in ClinVar:

NM_080680.3(COL11A2):c.2635C>T (p.Pro879Ser)

Gene: COL11A2 (collagen type XI alpha 2 chain; minus strand). Cytogenetic location: 6p21.32.
Variant type: single nucleotide variant.
Coding change: c.2635C>T on transcript NM_080680.3 (MANE Select); coding-DNA position 2635, C replaced by T.
Protein change: p.Pro879Ser; replaces proline 879 with serine.
Molecular consequence: missense variant.
Genome position (GRCh38, 1-based): chr6:33,173,549, G>A on the plus strand (C>T on the coding strand, the complement: COL11A2 is on the minus strand). VCF-style: chr6-33173549-G-A. GRCh37 (hg19) VCF-style: chr6-33141326-G-A.
Other names: c.2314C>T, p.Pro772Ser (NM_080679.3); c.2377C>T, p.Pro793Ser (NM_080681.3); c.2455C>T, p.Pro819Ser (NM_001424108.1); c.1789C>T, p.Pro597Ser (NM_001424109.1); c.1609C>T, p.Pro537Ser (NM_001424110.1, NM_001424111.1); c.589C>T, p.Pro197Ser (NM_001424112.1); short protein forms P537S, P772S, P793S, P879S, P597S, P819S, P197S.
Identifiers: ClinVar variation 2712611 (VCV002712611.3), dbSNP rs1273623247, ClinGen allele CA363642037.

ClinVar aggregate classification (germline): Uncertain significance (1 of 4 stars; one submission).

Submission:

Labcorp Genetics (formerly Invitae), Labcorp
Classification: Uncertain significance. Last evaluated: 2024-01-31. Review status: criteria provided, single submitter. Criteria: Invitae Variant Classification Sherloc (09022015). Collection method: clinical testing. Allele origin: germline.
Comment: This sequence change replaces proline, which is neutral and non-polar, with serine, which is neutral and polar, at codon 879 of the COL11A2 protein (p.Pro879Ser). This variant is not present in population databases (gnomAD no frequency). This variant has not been reported in the literature in individuals affected with COL11A2-related conditions. Advanced modeling of protein sequence and biophysical properties (such as structural, functional, and spatial information, amino acid conservation, physicochemical variation, residue mobility, and thermodynamic stability) performed at Invitae indicates that this missense variant is not expected to disrupt COL11A2 protein function with a negative predictive value of 95%. In summary, the available evidence is currently insufficient to determine the role of this variant in disease. Therefore, it has been classified as a Variant of Uncertain Significance.